The following is an entry in ClinVar:

ClinVar aggregate classification (germline): Uncertain significance (1 of 4 stars; one submission).

gnomAD v4.1: 1 of 1,613,116 alleles (0.000062%); highest among the groups gnomAD compares: Non-Finnish European, 0.000085%; no homozygotes.

Submission:

Dasa
Classification: Uncertain significance. Last evaluated: 2025-05-29. Review status: criteria provided, single submitter. Criteria: DASA Assertion Criteria. Collection method: clinical testing. Allele origin: germline.
Comment: NM_015021.3(ZNF292):c.2693C>T (p.Ala898Val) is a missense variant that results in the substitution of alanine with valine. This variant is rare in population databases. Computational prediction algorithms are consistent with a benign effect. The currently available literature and clinical evidence are not sufficient to establish a definitive association between this variant and the reported condition. Therefore, this variant is classified as a variant of uncertain significance.

NM_015021.3(ZNF292):c.2693C>T (p.Ala898Val)

Gene: ZNF292 (zinc finger protein 292; plus strand). Cytogenetic location: 6q14.3.
Variant type: single nucleotide variant.
Coding change: c.2693C>T on transcript NM_015021.3 (MANE Select); coding-DNA position 2693, C replaced by T.
Protein change: p.Ala898Val; replaces alanine 898 with valine.
Molecular consequence: missense variant.
Genome position (GRCh38, 1-based): chr6:87,256,322, C>T. VCF-style: chr6-87256322-C-T. GRCh37 (hg19) VCF-style: chr6-87966040-C-T.
Other names: c.2273C>T, p.Ala758Val (NM_001351444.2); short protein forms A758V, A898V.
Identifiers: ClinVar variation 4884925 (VCV004884925.2).